The following is an entry in ClinVar:

NM_001184.4(ATR):c.1864T>A (p.Cys622Ser)

Gene: ATR (ATR checkpoint kinase; minus strand). Cytogenetic location: 3q23.
Variant type: single nucleotide variant.
Coding change: c.1864T>A on transcript NM_001184.4 (MANE Select); coding-DNA position 1864, T replaced by A.
Protein change: p.Cys622Ser; replaces cysteine 622 with serine.
Molecular consequence: missense variant.
Genome position (GRCh38, 1-based): chr3:142,558,645, A>T on the plus strand (T>A on the coding strand, the complement: ATR is on the minus strand). VCF-style: chr3-142558645-A-T. GRCh37 (hg19) VCF-style: chr3-142277487-A-T.
Other names: c.1672T>A, p.Cys558Ser (NM_001354579.2); short protein forms C558S, C622S.
Identifiers: ClinVar variation 2587563 (VCV002587563.2), dbSNP rs2473407074, ClinGen allele CA354820790.

ClinVar aggregate classification (germline): Uncertain significance (1 of 4 stars; one submission).

Conditions:
Inborn genetic diseases. Identifiers: MedGen C0950123, MeSH D030342.

Submission:

Ambry Genetics
Classification: Uncertain significance for Inborn genetic diseases. Last evaluated: 2023-07-07. Review status: criteria provided, single submitter. Criteria: Ambry Variant Classification Scheme 2023. Collection method: clinical testing. Allele origin: germline.
Comment: The p.C622S variant (also known as c.1864T>A), located in coding exon 8 of the ATR gene, results from a T to A substitution at nucleotide position 1864. The cysteine at codon 622 is replaced by serine, an amino acid with dissimilar properties. This amino acid position is conserved. In addition, this alteration is predicted to be tolerated by in silico analysis. Since supporting evidence is limited at this time, the clinical significance of this alteration remains unclear.